The following is an entry in ClinVar:

NM_004991.4(MECOM):c.1854G>A (p.Met618Ile)

Gene: MECOM (MDS1 and EVI1 complex locus; minus strand). Cytogenetic location: 3q26.2.
Variant type: single nucleotide variant.
Coding change: c.1854G>A on transcript NM_004991.4 (MANE Select); coding-DNA position 1854, G replaced by A.
Protein change: p.Met618Ile; replaces methionine 618 with isoleucine.
Molecular consequence: missense variant. On other transcripts: intron variant (2).
Genome position (GRCh38, 1-based): chr3:169,116,018, C>T on the plus strand (G>A on the coding strand, the complement: MECOM is on the minus strand). VCF-style: chr3-169116018-C-T. GRCh37 (hg19) VCF-style: chr3-168833806-C-T.
Other names: c.1485G>A, p.Met495Ile (NM_001105077.4); c.1290G>A, p.Met430Ile (NM_001105078.4, NM_001164000.2, NM_001205194.2 and 4 more transcripts); c.1293G>A, p.Met431Ile (NM_001163999.2, NM_001366467.2, NM_001366468.2 and 1 more transcripts); c.1854G>A, p.Met618Ile (NM_001366466.2); c.1133-251G>A (NM_001366473.2); c.569-251G>A (NM_001366474.2); short protein forms M618I, M495I, M430I, M431I.
Identifiers: ClinVar variation 3871753 (VCV003871753.1).

ClinVar aggregate classification (germline): Uncertain significance (1 of 4 stars; one submission).

Conditions:
Inborn genetic diseases. Identifiers: MedGen C0950123, MeSH D030342.

gnomAD v4.1: 1 of 1,614,052 alleles (0.000062%); highest among the groups gnomAD compares: Non-Finnish European, 0.000085%; no homozygotes.

Submission:

Ambry Genetics
Classification: Uncertain significance for Inborn genetic diseases. Last evaluated: 2025-01-27. Review status: criteria provided, single submitter. Criteria: Ambry Variant Classification Scheme 2023. Collection method: clinical testing. Allele origin: germline.
Comment: The p.M618I variant (also known as c.1854G>A), located in coding exon 8 of the MECOM gene, results from a G to A substitution at nucleotide position 1854. The methionine at codon 618 is replaced by isoleucine, an amino acid with highly similar properties. This amino acid position is conserved. In addition, this alteration is predicted to be tolerated by in silico analysis. Based on the available evidence, the clinical significance of this variant remains unclear.